The following is an entry in ClinVar:

NM_000051.4(ATM):c.2338A>T (p.Met780Leu)

Gene: ATM (ATM serine/threonine kinase; plus strand). Cytogenetic location: 11q22.3.
Variant type: single nucleotide variant.
Coding change: c.2338A>T on transcript NM_000051.4 (MANE Select); coding-DNA position 2338, A replaced by T.
Protein change: p.Met780Leu; replaces methionine 780 with leucine.
Molecular consequence: missense variant.
Genome position (GRCh38, 1-based): chr11:108,257,568, A>T. VCF-style: chr11-108257568-A-T. GRCh37 (hg19) VCF-style: chr11-108128295-A-T.
Other names: c.2338A>T, p.Met780Leu (NM_001351834.2); short protein forms M780L.
Identifiers: ClinVar variation 141031 (VCV000141031.29), dbSNP rs587781446, ClinGen allele CA164275.
Genomic context (GRCh38, chr11:108,257,568, plus strand): 5'-ATCACTCTGTTTAAAAATAAGACAAATGAGGAATTCAGAATTGGTTCCTTGAGAAATATG[A>T]TGCAGCTATGTACACGTTGCTTGAGCAACTGTACCAAGGTAAGATTTTCTTCTTCTTGTT-3'
Protein context (NP_000042.3, residues 770-790): EFRIGSLRNM[Met780Leu]QLCTRCLSNC

ClinVar aggregate classification (germline): Conflicting classifications of pathogenicity. Review status: criteria provided, conflicting classifications (1 of 4 stars). 10 submissions from 10 submitters: Uncertain significance (8); Likely benign (1). 1 of the submissions does not count toward it. Last evaluated 2026-06-23.

Conditions:
Hereditary cancer-predisposing syndrome. Also called: Tumor predisposition; Hereditary Cancer Syndrome; Neoplastic Syndromes, Hereditary; Hereditary neoplastic syndrome. Identifiers: Orphanet 140162, MedGen C0027672, MeSH D009386, MONDO:0015356.
Hereditary breast ovarian cancer syndrome. Also called: Breast and ovarian cancer; Hereditary breast and/or ovarian cancer syndrome; Hereditary breast and ovarian cancer syndrome (HBOC); BRCA1- and BRCA2-Associated Hereditary Breast and Ovarian Cancer; Hereditary breast and ovarian cancer; Hereditary breast and ovarian cancer syndrome. Identifiers: Orphanet 145, MedGen C0677776, MeSH D061325, MONDO:0003582. Disease mechanism: loss of function.
Familial cancer of breast. Also called: hereditary breast carcinoma; BREAST CANCER, FAMILIAL; Hereditary breast cancer. Identifiers: Orphanet 227535, MedGen C0346153, MONDO:0016419, OMIM 114480. Disease mechanism: loss of function.
Ataxia-telangiectasia syndrome (AT). Also called: Ataxia-telangiectasia, complementation group D; Ataxia-telangiectasia, complementation group E; LOUIS-BAR SYNDROME; Ataxia telangiectasia (A-T); AT, COMPLEMENTATION GROUP C; ATAXIA-TELANGIECTASIA, COMPLEMENTATION GROUP A. Identifiers: Orphanet 100, MedGen C0004135, MONDO:0008840, OMIM 208900.

Allele frequency attached by ClinVar (database versions not stated): ExAC 0.00001; TOPMed 0.00001; gnomAD 0.00002.
gnomAD v4.1: 5 of 1,613,900 alleles (0.00031%); highest among the groups gnomAD compares: African/African-American, 0.0053%; no homozygotes.

Submissions (10):

Myriad Genetics, Inc.
Classification: Likely benign for Familial cancer of breast. Last evaluated: 2026-06-23. Review status: criteria provided, single submitter. Criteria: Myriad Autosomal Dominant, Autosomal Recessive and X-Linked Classification Criteria (2023). Collection method: clinical testing. Allele origin: unknown.
Comment: This variant is considered likely benign. This variant is strongly associated with less severe personal and family histories of cancer, typical for individuals without pathogenic variants in this gene [PMID: 25085752].

Labcorp Genetics (formerly Invitae), Labcorp
Classification: Uncertain significance for Ataxia-telangiectasia syndrome. Last evaluated: 2025-07-22. Review status: criteria provided, single submitter. Criteria: Invitae Variant Classification Sherloc (09022015). Collection method: clinical testing. Allele origin: germline.
Comment: This sequence change replaces methionine, which is neutral and non-polar, with leucine, which is neutral and non-polar, at codon 780 of the ATM protein (p.Met780Leu). This variant is present in population databases (rs587781446, gnomAD 0.007%). This variant has not been reported in the literature in individuals affected with ATM-related conditions. ClinVar contains an entry for this variant (Variation ID: 141031). Invitae Evidence Modeling of protein sequence and biophysical properties (such as structural, functional, and spatial information, amino acid conservation, physicochemical variation, residue mobility, and thermodynamic stability) indicates that this missense variant is not expected to disrupt ATM protein function with a negative predictive value of 95%. In summary, the available evidence is currently insufficient to determine the role of this variant in disease. Therefore, it has been classified as a Variant of Uncertain Significance.

Ambry Genetics
Classification: Uncertain significance for Hereditary cancer-predisposing syndrome. Last evaluated: 2023-12-25. Review status: criteria provided, single submitter. Criteria: Ambry Variant Classification Scheme 2023. Collection method: clinical testing. Allele origin: germline.
Comment: The p.M780L variant (also known as c.2338A>T), located in coding exon 14 of the ATM gene, results from an A to T substitution at nucleotide position 2338. The methionine at codon 780 is replaced by leucine, an amino acid with highly similar properties. This amino acid position is not well conserved in available vertebrate species. In addition, this alteration is predicted to be tolerated by in silico analysis. Since supporting evidence is limited at this time, the clinical significance of this alteration remains unclear.

Color Diagnostics, LLC DBA Color Health
Classification: Uncertain significance for Hereditary cancer-predisposing syndrome. Last evaluated: 2023-12-05. Review status: criteria provided, single submitter. Criteria: ACMG Guidelines, 2015. Collection method: clinical testing. Allele origin: germline.
Comment: This missense variant replaces methionine with leucine at codon 780 of the ATM protein. Computational prediction suggests that this variant may not impact protein structure and function (internally defined REVEL score threshold <= 0.5, PMID: 27666373). To our knowledge, functional studies have not been reported for this variant. This variant has not been reported in individuals affected with ATM-related disorders in the literature. This variant has been identified in 1/251360 chromosomes in the general population by the Genome Aggregation Database (gnomAD). The available evidence is insufficient to determine the role of this variant in disease conclusively. Therefore, this variant is classified as a Variant of Uncertain Significance.

Athena Diagnostics
Classification: Uncertain significance. Last evaluated: 2023-11-22. Review status: criteria provided, single submitter. Criteria: Athena Diagnostics Criteria. Collection method: clinical testing. Allele origin: unknown.
Comment: Available data are insufficient to determine the clinical significance of the variant at this time. The frequency of this variant in the general population is uninformative in assessment of its pathogenicity. Computational tools predict that this variant is not damaging.

GeneDx
Classification: Uncertain significance. Last evaluated: 2023-10-03. Review status: criteria provided, single submitter. Criteria: GeneDx Variant Classification Process June 2021. Collection method: clinical testing. Allele origin: germline. Affected: yes.
Comment: Not observed at significant frequency in large population cohorts (gnomAD); In silico analysis supports that this missense variant does not alter protein structure/function; Has not been previously published as pathogenic or benign to our knowledge

Quest Diagnostics Nichols Institute San Juan Capistrano
Classification: Uncertain significance. Last evaluated: 2023-10-03. Review status: criteria provided, single submitter. Criteria: Quest Diagnostics criteria. Collection method: clinical testing. Allele origin: unknown.

Blueprint Genetics
Classification: Uncertain significance. Last evaluated: 2021-04-28. Review status: criteria provided, single submitter. Criteria: ACMG Guidelines, 2015. Collection method: clinical testing. Allele origin: germline.

Pittsburgh Clinical Genomics Laboratory, University of Pittsburgh Medical Center
Classification: Uncertain significance for Hereditary Breast and Ovarian Cancer Syndrome. Last evaluated: 2018-12-28. Review status: criteria provided, single submitter. Criteria: ACMG Guidelines, 2015. Collection method: clinical testing. Allele origin: germline. Affected: yes. Observed: 1 variant allele.
Comment: This sequence variant is a single nucleotide substitution (A>T) that results in a methionine to leucine amino acid change at residue 780 in the ATM protein. This is a rare variant that has been reported at a frequency of 0.000004 (1/251360 alleles) in the gnomAD v2.1 population database. The variant is not located in any known ATM functional domain, and multiple bioinformatic tools queried predict that this variant will have a neutral effect on protein function; however, these predictions have not been confirmed by functional studies, to our knowledge. Additionally, we could find no report of this variant in research or case studies. Methionine at this position is not highly conserved in mammals. At the current time, there is insufficient information to determine if this variant is benign or pathogenic; we consider it to be a variant of uncertain significance.

Natera, Inc.
Classification: Uncertain significance for Ataxia-telangiectasia. Last evaluated: 2020-08-31. Review status: no assertion criteria provided. Collection method: clinical testing. Allele origin: germline. Not counted in ClinVar's aggregate classification.

Literature cited by the submitters: PubMed 25085752 (cited by Myriad Genetics, Inc.).